The following is an entry in ClinVar:

ClinVar aggregate classification (germline): Uncertain significance (1 of 4 stars; one submission).

Conditions:
Epileptic encephalopathy. Identifiers: MedGen C0543888, HP:0200134.

Allele frequency attached by ClinVar (database versions not stated): gnomAD exomes 0.00002 and 0.00005; ExAC 0.00003; gnomAD 0.00003; TOPMed 0.00014.
gnomAD v4.1: 31 of 1,612,070 alleles (0.0019%); highest among the groups gnomAD compares: Admixed American, 0.022%; no homozygotes.

Submission:

Labcorp Genetics (formerly Invitae), Labcorp
Classification: Uncertain significance for Epileptic encephalopathy. Last evaluated: 2025-10-09. Review status: criteria provided, single submitter. Criteria: Invitae Variant Classification Sherloc (09022015). Collection method: clinical testing. Allele origin: germline.
Comment: This sequence change replaces arginine, which is basic and polar, with glutamine, which is neutral and polar, at codon 1180 of the FASN protein (p.Arg1180Gln). The frequency data for this variant in the population databases is considered unreliable, as metrics indicate poor data quality at this position in the gnomAD database. This variant has not been reported in the literature in individuals affected with FASN-related conditions. ClinVar contains an entry for this variant (Variation ID: 645799). An algorithm developed to predict the effect of missense changes on protein structure and function outputs the following: PolyPhen-2: "Benign". The glutamine amino acid residue is found in multiple mammalian species, which suggests that this missense change does not adversely affect protein function. In summary, the available evidence is currently insufficient to determine the role of this variant in disease. Therefore, it has been classified as a Variant of Uncertain Significance.

NM_004104.5(FASN):c.3539G>A (p.Arg1180Gln)

Gene: FASN (fatty acid synthase; minus strand). Cytogenetic location: 17q25.3.
Variant type: single nucleotide variant.
Coding change: c.3539G>A on transcript NM_004104.5 (MANE Select); coding-DNA position 3539, G replaced by A.
Protein change: p.Arg1180Gln; replaces arginine 1180 with glutamine.
Molecular consequence: missense variant.
Genome position (GRCh38, 1-based): chr17:82,086,447, C>T on the plus strand (G>A on the coding strand, the complement: FASN is on the minus strand). VCF-style: chr17-82086447-C-T. GRCh37 (hg19) VCF-style: chr17-80044323-C-T.
Other names: short protein forms R1180Q.
Identifiers: ClinVar variation 645799 (VCV000645799.8), dbSNP rs767153681, ClinGen allele CA8852343.
Genomic context (GRCh38, chr17:82,086,447, plus strand): 5'-TGCGCCAGCTCCAGCTGCAGGTTCCCGTTGAGCTGAAGCCTGCAGGCAGCCGACAACAGC[C>T]GGGGCAGTTCCTGCTGTGAGGGGTCCCGGGGGATCTGGGCCCCATCCAGTCCGGGCACCA-3'
Protein context (NP_004095.4, residues 1170-1190): PRDPSQQELP[Arg1180Gln]LLSAACRLQL